The following is an entry in ClinVar:

NM_000483.5(APOC2):c.163G>A (p.Ala55Thr)

Genes: APOC2 (apolipoprotein C2; plus strand), APOC4-APOC2 (APOC4-APOC2 readthrough (NMD candidate); plus strand). Cytogenetic location: 19q13.32.
Variant type: single nucleotide variant.
Coding change: c.163G>A on transcript NM_000483.5 (MANE Select); coding-DNA position 163, G replaced by A.
Protein change: p.Ala55Thr; replaces alanine 55 with threonine.
Molecular consequence: missense variant. On other transcripts: non-coding transcript variant (1).
Genome position (GRCh38, 1-based): chr19:44,948,808, G>A. VCF-style: chr19-44948808-G-A. GRCh37 (hg19) VCF-style: chr19-45452065-G-A.
Other names: short protein forms A55T.
Identifiers: ClinVar variation 1777009 (VCV001777009.5), dbSNP rs750370010, ClinGen allele CA9506613.

ClinVar aggregate classification (germline): Uncertain significance. Review status: criteria provided, multiple submitters, no conflicts (2 of 4 stars). 2 submissions from 2 submitters: Uncertain significance (2). Last evaluated 2026-08-19.

Conditions:
Cardiovascular phenotype. Identifiers: MedGen CN230736.
Familial apolipoprotein C-II deficiency. Also called: APOC2 DEFICIENCY; C-II ANAPOLIPOPROTEINEMIA; HYPERLIPOPROTEINEMIA, TYPE IB. Identifiers: Orphanet 309020, Orphanet 444490, MedGen C1720779, MONDO:0008810, OMIM 207750.

Allele frequency attached by ClinVar (database versions not stated): ExAC 0.00001; TOPMed 0.00002; gnomAD 0.00001.
gnomAD v4.1: 10 of 1,613,884 alleles (0.00062%); highest among the groups gnomAD compares: African/African-American, 0.004%; no homozygotes.

Submissions (2):

Ambry Genetics
Classification: Uncertain significance for Cardiovascular phenotype. Last evaluated: 2026-08-19. Review status: criteria provided, single submitter. Criteria: Ambry Variant Classification Scheme 2023. Collection method: clinical testing. Allele origin: germline.
Comment: The c.163G>A (p.A55T) alteration is located in exon 3 (coding exon 2) of the APOC2 gene. This alteration results from a G to A substitution at nucleotide position 163, causing the alanine (A) at amino acid position 55 to be replaced by a threonine (T). Based on data from gnomAD, the A allele has an overall frequency of <0.001% (1/251254) total alleles studied. The highest observed frequency was 0.006% (1/16244) of African alleles. This amino acid position is highly conserved in available vertebrate species. The in silico prediction for this alteration is inconclusive. Based on insufficient or conflicting evidence, the clinical significance of this alteration remains unclear.

Fulgent Genetics
Classification: Uncertain significance for Familial apolipoprotein C-II deficiency. Last evaluated: 2024-03-01. Review status: criteria provided, single submitter. Criteria: ACMG Guidelines, 2015. Collection method: clinical testing. Allele origin: germline.